The following is an entry in ClinVar:

ClinVar aggregate classification (germline): Uncertain significance (1 of 4 stars; one submission).

Conditions:
Neurofibromatosis, type 1 (NF1). Also called: NEUROFIBROMATOSIS, TYPE I, SOMATIC; Peripheral type neurofibromatosis; VON RECKLINGHAUSEN DISEASE; Neurofibromatosis, type I. Identifiers: Orphanet 636, MedGen C0027831, MONDO:0018975, OMIM 162200. Disease mechanism: loss of function.

Submission:

Labcorp Genetics (formerly Invitae), Labcorp
Classification: Uncertain significance for Neurofibromatosis, type 1. Last evaluated: 2020-08-02. Review status: criteria provided, single submitter. Criteria: Invitae Variant Classification Sherloc (09022015). Collection method: clinical testing. Allele origin: germline.
Comment: In summary, the available evidence is currently insufficient to determine the role of this variant in disease. Therefore, it has been classified as a Variant of Uncertain Significance. Advanced modeling of protein sequence and biophysical properties (such as structural, functional, and spatial information, amino acid conservation, physicochemical variation, residue mobility, and thermodynamic stability) performed at Invitae indicates that this missense variant is expected to disrupt NF1 protein function. This variant has not been reported in the literature in individuals with NF1-related conditions. This variant is not present in population databases (ExAC no frequency). This sequence change replaces aspartic acid with tyrosine at codon 170 of the NF1 protein (p.Asp170Tyr). The aspartic acid residue is moderately conserved and there is a large physicochemical difference between aspartic acid and tyrosine.

NM_001042492.3(NF1):c.508G>T (p.Asp170Tyr)

Gene: NF1 (neurofibromin 1; plus strand). Cytogenetic location: 17q11.2.
Variant type: single nucleotide variant.
Coding change: c.508G>T on transcript NM_001042492.3 (MANE Select); coding-DNA position 508, G replaced by T.
Protein change: p.Asp170Tyr; replaces aspartic acid 170 with tyrosine.
Molecular consequence: missense variant.
Genome position (GRCh38, 1-based): chr17:31,169,919, G>T. VCF-style: chr17-31169919-G-T. GRCh37 (hg19) VCF-style: chr17-29496937-G-T.
Other names: c.508G>T, p.Asp170Tyr (NM_000267.4, NM_001128147.3); short protein forms D170Y.
Identifiers: ClinVar variation 1005302 (VCV001005302.5), dbSNP rs2065903486, ClinGen allele CA398984910.